The following is an entry in ClinVar:

ClinVar aggregate classification (germline): Uncertain significance (1 of 4 stars; one submission).

Conditions:
Zellweger spectrum disorders (ZS). Also called: Zellweger Spectrum Disorder; Zellweger Spectrum; Zellweger Spectrum Disorder (ZSD); Zellweger syndrome. Identifiers: Orphanet 912, MedGen C0043459, MONDO:0019609.

Submission:

Labcorp Genetics (formerly Invitae), Labcorp
Classification: Uncertain significance for Zellweger spectrum disorders. Last evaluated: 2023-11-27. Review status: criteria provided, single submitter. Criteria: Invitae Variant Classification Sherloc (09022015). Collection method: clinical testing. Allele origin: germline.
Comment: This sequence change replaces arginine, which is basic and polar, with histidine, which is basic and polar, at codon 25 of the PEX1 protein (p.Arg25His). This variant is not present in population databases (gnomAD no frequency). This variant has not been reported in the literature in individuals affected with PEX1-related conditions. ClinVar contains an entry for this variant (Variation ID: 1939673). Advanced modeling of protein sequence and biophysical properties (such as structural, functional, and spatial information, amino acid conservation, physicochemical variation, residue mobility, and thermodynamic stability) has been performed at Invitae for this missense variant, however the output from this modeling did not meet the statistical confidence thresholds required to predict the impact of this variant on PEX1 protein function. In summary, the available evidence is currently insufficient to determine the role of this variant in disease. Therefore, it has been classified as a Variant of Uncertain Significance.

NM_000466.3(PEX1):c.74G>A (p.Arg25His)

Genes: PEX1 (peroxisomal biogenesis factor 1; minus strand), LOC129998796 (ATAC-STARR-seq lymphoblastoid silent region 18372; plus strand). Cytogenetic location: 7q21.2.
Variant type: single nucleotide variant.
Coding change: c.74G>A on transcript NM_000466.3 (MANE Select); coding-DNA position 74, G replaced by A.
Protein change: p.Arg25His; replaces arginine 25 with histidine.
Molecular consequence: missense variant. On other transcripts: 5 prime UTR variant (1).
Genome position (GRCh38, 1-based): chr7:92,528,362, C>T on the plus strand (G>A on the coding strand, the complement: PEX1 is on the minus strand). VCF-style: chr7-92528362-C-T. GRCh37 (hg19) VCF-style: chr7-92157676-C-T.
Other names: c.74G>A, p.Arg25His (NM_001282677.2); c.-586G>A (NM_001282678.2); short protein forms R25H.
Identifiers: ClinVar variation 1939673 (VCV001939673.5), dbSNP rs2484725627, ClinGen allele CA368207408.